The following is an entry in ClinVar:

ClinVar aggregate classification (germline): Likely benign. Review status: criteria provided, multiple submitters, no conflicts (2 of 4 stars). 2 submissions from 2 submitters: Likely benign (2). Last evaluated 2026-02-10.

Conditions:
HNSHA due to aldolase A deficiency (GSD12). Also called: GLYCOGEN STORAGE DISEASE XII; RED CELL ALDOLASE DEFICIENCY; GSD XII; Glycogen storage disease due to aldolase A deficiency. Identifiers: Orphanet 57, MedGen C0272066, MONDO:0012747, OMIM 611881.
ALDOA-related disorder. Also called: ALDOA-related condition.

Allele frequency attached by ClinVar (database versions not stated): gnomAD 0.00001; ExAC 0.00002; TOPMed 0.00003; gnomAD exomes 0.00004.
gnomAD v4.1: 23 of 1,613,320 alleles (0.0014%); highest among the groups gnomAD compares: East Asian, 0.051%; no homozygotes.

Submissions (2):

PreventionGenetics, part of Exact Sciences
Classification: Likely benign for ALDOA-related condition. Last evaluated: 2026-02-10. Review status: criteria provided, single submitter. Criteria: ACMG Guidelines, 2015. Collection method: clinical testing. Allele origin: germline.
Comment: This variant is classified as likely benign based on ACMG/AMP sequence variant interpretation guidelines (Richards et al. 2015 PMID: 25741868, with internal and published modifications).

Labcorp Genetics (formerly Invitae), Labcorp
Classification: Likely benign for HNSHA due to aldolase A deficiency. Last evaluated: 2025-07-20. Review status: criteria provided, single submitter. Criteria: Invitae Variant Classification Sherloc (09022015). Collection method: clinical testing. Allele origin: germline.

NM_001243177.4(ALDOA):c.312G>A (p.Glu104=)

Genes: ALDOA (aldolase, fructose-bisphosphate A; plus strand), LOC112694756 (uncharaterized LOC112694756; plus strand). Cytogenetic location: 16p11.2.
Variant type: single nucleotide variant.
Coding change: c.312G>A on transcript NM_001243177.4 (MANE Select); coding-DNA position 312, G replaced by A.
Protein change: p.Glu104=; no amino-acid change (glutamic acid 104 retained).
Molecular consequence: synonymous variant. On other transcripts: 3 prime UTR variant (3).
Genome position (GRCh38, 1-based): chr16:30,067,487, G>A. VCF-style: chr16-30067487-G-A. GRCh37 (hg19) VCF-style: chr16-30078808-G-A.
Other names: NM_000034.3:c.150G>A; c.*659G>A (NM_001365304.2, NM_001365305.2, NM_001365307.2); c.150G>A, p.Glu50= (NM_001127617.2, NM_184041.5, NM_184043.2).
Identifiers: ClinVar variation 318828 (VCV000318828.13), dbSNP rs779556052, ClinGen allele CA8000882.